The following is an entry in ClinVar:

ClinVar aggregate classification (germline): Uncertain significance (1 of 4 stars; one submission).

Conditions:
Hyperaldosteronism, familial, type IV (HALD4). Also called: FH IV; ALDOSTERONISM, PRIMARY, AND HYPERTENSION. Identifiers: Orphanet 642671, MedGen C4310756, MONDO:0014875, OMIM 617027.
Idiopathic generalized epilepsy. Also called: EIG; Generalised epilepsy. Identifiers: MedGen C0270850, MONDO:0005579, OMIM 600669.

Submission:

Labcorp Genetics (formerly Invitae), Labcorp
Classification: Uncertain significance for Idiopathic generalized epilepsy; Hyperaldosteronism, familial, type IV. Last evaluated: 2022-07-24. Review status: criteria provided, single submitter. Criteria: Invitae Variant Classification Sherloc (09022015). Collection method: clinical testing. Allele origin: germline.
Comment: This sequence change replaces alanine, which is neutral and non-polar, with glycine, which is neutral and non-polar, at codon 1012 of the CACNA1H protein (p.Ala1012Gly). In summary, the available evidence is currently insufficient to determine the role of this variant in disease. Therefore, it has been classified as a Variant of Uncertain Significance. Algorithms developed to predict the effect of sequence changes on RNA splicing suggest that this variant may create or strengthen a splice site. Algorithms developed to predict the effect of missense changes on protein structure and function (SIFT, PolyPhen-2, Align-GVGD) all suggest that this variant is likely to be disruptive. This variant has not been reported in the literature in individuals affected with CACNA1H-related conditions. This variant is not present in population databases (gnomAD no frequency).

NM_021098.3(CACNA1H):c.3035C>G (p.Ala1012Gly)

Gene: CACNA1H (calcium voltage-gated channel subunit alpha1 H; plus strand). Cytogenetic location: 16p13.3.
Variant type: single nucleotide variant.
Coding change: c.3035C>G on transcript NM_021098.3 (MANE Select); coding-DNA position 3035, C replaced by G.
Protein change: p.Ala1012Gly; replaces alanine 1012 with glycine.
Molecular consequence: missense variant.
Genome position (GRCh38, 1-based): chr16:1,207,402, C>G. VCF-style: chr16-1207402-C-G. GRCh37 (hg19) VCF-style: chr16-1257402-C-G.
Other names: c.3035C>G, p.Ala1012Gly (NM_001005407.2); short protein forms A1012G.
Identifiers: ClinVar variation 1713643 (VCV001713643.5), dbSNP rs2548681591, ClinGen allele CA394170493.
Genomic context (GRCh38, chr16:1,207,402, plus strand): 5'-CCCTCTACTTCGTGGCCCTCATGACCTTCGGCAACTATGTGCTCTTCAACCTGCTGGTGG[C>G]CATCCTCGTGGAGGGCTTCCAGGCGGAGGTGAGGGGGCAGGGAGAGGGGCTGCCAGGAGG-3'
Protein context (NP_066921.2, residues 1002-1022): GNYVLFNLLV[Ala1012Gly]ILVEGFQAEG